The following is an entry in ClinVar:

ClinVar aggregate classification (germline): Conflicting classifications of pathogenicity. Review status: criteria provided, conflicting classifications (1 of 4 stars). 2 submissions from 2 submitters: Uncertain significance (1); Likely benign (1). Last evaluated 2024-12-31.

Conditions:
Familial thoracic aortic aneurysm and aortic dissection (TAAD). Also called: Thoracic aortic aneurysms and dissections. Identifiers: Orphanet 91387, MedGen C4707243, MONDO:0019625.
Ehlers-Danlos syndrome, type 4 (EDSVASC). Also called: Ehlers-Danlos syndrome vascular type; Ehlers Danlos syndrome, ecchymotic type; Ehlers Danlos syndrome, arterial type; Ehlers Danlos syndrome, Sack-Barabas type; Ehlers-Danlos Syndrome Type IV. Identifiers: Orphanet 286, MedGen C0268338, MONDO:0017314, OMIM 130050.

gnomAD v4.1: 3 of 1,565,114 alleles (0.00019%); highest among the groups gnomAD compares: South Asian, 0.0035%; no homozygotes.

Submissions (2):

Labcorp Genetics (formerly Invitae), Labcorp
Classification: Likely benign for Ehlers-Danlos syndrome, type 4. Last evaluated: 2024-12-31. Review status: criteria provided, single submitter. Criteria: Invitae Variant Classification Sherloc (09022015). Collection method: clinical testing. Allele origin: germline.

Color Diagnostics, LLC DBA Color Health
Classification: Uncertain significance for Familial thoracic aortic aneurysm and aortic dissection. Last evaluated: 2021-02-11. Review status: criteria provided, single submitter. Criteria: ACMG Guidelines, 2015. Collection method: clinical testing. Allele origin: germline.
Comment: This variant causes an A to T nucleotide substitution at the -4 position of intron 29 of the COL3A1 gene. To our knowledge, functional studies have not been reported for this variant. This variant has not been reported in individuals affected with cardiovascular disorders in the literature. This variant has not been identified in the general population by the Genome Aggregation Database (gnomAD). The available evidence is insufficient to determine the role of this variant in disease conclusively. Therefore, this variant is classified as a Variant of Uncertain Significance.

NM_000090.4(COL3A1):c.2023-4A>T

Gene: COL3A1 (collagen type III alpha 1 chain; plus strand). Cytogenetic location: 2q32.2.
Variant type: single nucleotide variant.
Coding change: c.2023-4A>T on transcript NM_000090.4 (MANE Select); 4 bases into the intron before coding-DNA position 2023, A replaced by T.
Molecular consequence: intron variant.
Genome position (GRCh38, 1-based): chr2:188,999,281, A>T. VCF-style: chr2-188999281-A-T. GRCh37 (hg19) VCF-style: chr2-189864007-A-T.
Identifiers: ClinVar variation 1171878 (VCV001171878.4), dbSNP rs749995320, ClinGen allele CA074947.